The following is an entry in ClinVar:

NM_002907.4(RECQL):c.194C>T (p.Pro65Leu)

Gene: RECQL (RecQ like helicase; minus strand). Cytogenetic location: 12p12.1.
Variant type: single nucleotide variant.
Coding change: c.194C>T on transcript NM_002907.4 (MANE Select); coding-DNA position 194, C replaced by T.
Protein change: p.Pro65Leu; replaces proline 65 with leucine.
Molecular consequence: missense variant.
Genome position (GRCh38, 1-based): chr12:21,491,539, G>A on the plus strand (C>T on the coding strand, the complement: RECQL is on the minus strand). VCF-style: chr12-21491539-G-A. GRCh37 (hg19) VCF-style: chr12-21644473-G-A.
Other names: c.194C>T, p.Pro65Leu (NM_032941.3); short protein forms P65L.
Identifiers: ClinVar variation 1783194 (VCV001783194.3), dbSNP rs367889494, ClinGen allele CA233583841.

ClinVar aggregate classification (germline): Uncertain significance (1 of 4 stars; one submission).

Allele frequency attached by ClinVar (database versions not stated): gnomAD 0.00001; ESP Exome Variant Server 0.00008; TOPMed below 0.00001; gnomAD exomes below 0.00001.
gnomAD v4.1: 2 of 1,605,072 alleles (0.00012%); highest among the groups gnomAD compares: Admixed American, 0.0017%; no homozygotes.

Submission:

Ambry Genetics
Classification: Uncertain significance. Last evaluated: 2025-04-07. Review status: criteria provided, single submitter. Criteria: Ambry Variant Classification Scheme 2023. Collection method: clinical testing. Allele origin: germline.
Comment: The p.P65L variant (also known as c.194C>T), located in coding exon 2 of the RECQL gene, results from a C to T substitution at nucleotide position 194. The proline at codon 65 is replaced by leucine, an amino acid with similar properties. This amino acid position is not well conserved in available vertebrate species. In addition, this alteration is predicted to be tolerated by in silico analysis. Since supporting evidence is limited at this time, the clinical significance of this alteration remains unclear.